The following is an entry in ClinVar:

ClinVar aggregate classification (germline): Uncertain significance (1 of 4 stars; one submission).

Conditions:
Hereditary insensitivity to pain with anhidrosis (CIPA). Also called: NEUROPATHY, CONGENITAL SENSORY, WITH ANHIDROSIS; hereditary sensory and autonomic neuropathy type 4; INSENSITIVITY TO PAIN, CONGENITAL, WITH ANHIDROSIS; FAMILIAL DYSAUTONOMIA, TYPE II; HSAN Type IV; NTRK1 Congenital Insensitivity to Pain with Anhidrosis. Identifiers: Orphanet 642, MedGen C0020074, MONDO:0009746, OMIM 256800.

Allele frequency attached by ClinVar (database versions not stated): gnomAD exomes below 0.00001 and 0.00001.
gnomAD v4.1: 1 of 1,558,054 alleles (0.000064%); highest among the groups gnomAD compares: Non-Finnish European, 0.000087%; no homozygotes.

Submission:

Labcorp Genetics (formerly Invitae), Labcorp
Classification: Uncertain significance for Hereditary insensitivity to pain with anhidrosis. Last evaluated: 2020-02-07. Review status: criteria provided, single submitter. Criteria: Invitae Variant Classification Sherloc (09022015). Collection method: clinical testing. Allele origin: germline.
Comment: This variant is not present in population databases (ExAC no frequency). This sequence change replaces proline with leucine at codon 194 of the NTRK1 protein (p.Pro194Leu). The proline residue is highly conserved and there is a moderate physicochemical difference between proline and leucine. This variant has not been reported in the literature in individuals with NTRK1-related conditions. In summary, the available evidence is currently insufficient to determine the role of this variant in disease. Therefore, it has been classified as a Variant of Uncertain Significance. Algorithms developed to predict the effect of missense changes on protein structure and function (SIFT, PolyPhen-2, Align-GVGD) all suggest that this variant is likely to be disruptive, but these predictions have not been confirmed by published functional studies and their clinical significance is uncertain.

NM_002529.4(NTRK1):c.581C>T (p.Pro194Leu)

Gene: NTRK1 (neurotrophic receptor tyrosine kinase 1; plus strand). Cytogenetic location: 1q23.1.
Variant type: single nucleotide variant.
Coding change: c.581C>T on transcript NM_002529.4 (MANE Select); coding-DNA position 581, C replaced by T.
Protein change: p.Pro194Leu; replaces proline 194 with leucine.
Molecular consequence: missense variant.
Genome position (GRCh38, 1-based): chr1:156,868,511, C>T. VCF-style: chr1-156868511-C-T. GRCh37 (hg19) VCF-style: chr1-156838303-C-T.
Other names: c.491C>T, p.Pro164Leu (NM_001007792.1); c.581C>T, p.Pro194Leu (NM_001012331.2); short protein forms P164L, P194L.
Identifiers: ClinVar variation 957024 (VCV000957024.9), dbSNP rs1319598861, ClinGen allele CA342934164.